The following is an entry in ClinVar:

ClinVar aggregate classification (germline): Uncertain significance. Review status: criteria provided, multiple submitters, no conflicts (2 of 4 stars). 4 submissions from 4 submitters: Uncertain significance (4). Last evaluated 2026-04-10.

Conditions:
Inborn genetic diseases. Identifiers: MedGen C0950123, MeSH D030342.
CNGB1-related disorder. Also called: CNGB1-related condition.

Allele frequency attached by ClinVar (database versions not stated): gnomAD 0.00004 and 0.00008; TOPMed 0.00006; ESP Exome Variant Server 0.00008; gnomAD exomes 0.00008 and 0.00016; ExAC 0.00012; 1000 Genomes Project 0.00040; 1000 Genomes Project 30x 0.00047.
gnomAD v4.1: 125 of 1,614,190 alleles (0.0077%); highest among the groups gnomAD compares: South Asian, 0.066%; no homozygotes.

Submissions (4):

PreventionGenetics, part of Exact Sciences
Classification: Uncertain significance for CNGB1-related condition. Last evaluated: 2026-04-10. Review status: criteria provided, single submitter. Criteria: ACMG Guidelines, 2015. Collection method: clinical testing. Allele origin: germline.
Comment: The CNGB1 c.3397C>T variant is predicted to result in the amino acid substitution p.Arg1133Trp. To our knowledge, this variant has not been reported in the literature. This variant is reported in 0.085% of alleles in individuals of South Asian descent in gnomAD, which may be too frequent to be a primary cause of disease. Although we suspect that this variant may be benign, at this time, the clinical significance of this variant is uncertain due to the absence of conclusive functional and genetic evidence.

Ambry Genetics
Classification: Uncertain significance for Inborn genetic diseases. Last evaluated: 2025-07-16. Review status: criteria provided, single submitter. Criteria: Ambry Variant Classification Scheme 2023. Collection method: clinical testing. Allele origin: germline.

Blueprint Genetics
Classification: Uncertain significance. Last evaluated: 2022-12-02. Review status: criteria provided, single submitter. Criteria: ACMG Guidelines, 2015. Collection method: clinical testing. Allele origin: germline.

Labcorp Genetics (formerly Invitae), Labcorp
Classification: Uncertain significance. Last evaluated: 2022-10-25. Review status: criteria provided, single submitter. Criteria: Invitae Variant Classification Sherloc (09022015). Collection method: clinical testing. Allele origin: germline.
Comment: This sequence change replaces arginine, which is basic and polar, with tryptophan, which is neutral and slightly polar, at codon 1133 of the CNGB1 protein (p.Arg1133Trp). This variant is present in population databases (rs369943028, gnomAD 0.09%). This variant has not been reported in the literature in individuals affected with CNGB1-related conditions. ClinVar contains an entry for this variant (Variation ID: 1477335). Advanced modeling of protein sequence and biophysical properties (such as structural, functional, and spatial information, amino acid conservation, physicochemical variation, residue mobility, and thermodynamic stability) performed at Invitae indicates that this missense variant is not expected to disrupt CNGB1 protein function. In summary, the available evidence is currently insufficient to determine the role of this variant in disease. Therefore, it has been classified as a Variant of Uncertain Significance.

NM_001297.5(CNGB1):c.3397C>T (p.Arg1133Trp)

Gene: CNGB1 (cyclic nucleotide gated channel subunit beta 1; minus strand). Cytogenetic location: 16q21.
Variant type: single nucleotide variant.
Coding change: c.3397C>T on transcript NM_001297.5 (MANE Select); coding-DNA position 3397, C replaced by T.
Protein change: p.Arg1133Trp; replaces arginine 1133 with tryptophan.
Molecular consequence: missense variant.
Genome position (GRCh38, 1-based): chr16:57,887,920, G>A on the plus strand (C>T on the coding strand, the complement: CNGB1 is on the minus strand). VCF-style: chr16-57887920-G-A. GRCh37 (hg19) VCF-style: chr16-57921824-G-A.
Other names: c.3379C>T, p.Arg1127Trp (NM_001286130.2); c.3397C>T (NM_001297.4); short protein forms R1127W, R1133W.
Identifiers: ClinVar variation 1477335 (VCV001477335.8), dbSNP rs369943028, ClinGen allele CA8082582.